The following is an entry in ClinVar:

NM_001267550.2(TTN):c.2941_2942insC (p.Tyr981fs)

Gene: TTN (titin; minus strand). Cytogenetic location: 2q31.2.
Variant type: Insertion.
Coding change: c.2941_2942insC on transcript NM_001267550.2 (MANE Select); coding-DNA positions 2941 to 2942, C inserted.
Protein change: p.Tyr981fs; shifts the reading frame from tyrosine 981.
Molecular consequence: frameshift variant.
Genome position: GRCh38 VCF-style: chr2-178782964-T-TG. GRCh37 (hg19) VCF-style: chr2-179647691-T-TG.
Other names: c.2803_2804insC, p.Tyr935fs (NM_003319.4, NM_133432.3, NM_133437.4); c.2941_2942insC, p.Tyr981fs (NM_133378.4, NM_001256850.1, NM_133379.5); short protein forms Y981fs, Y935fs.
Identifiers: ClinVar variation 1362735 (VCV001362735.8), dbSNP rs2154350090, ClinGen allele CA2573133999.

ClinVar aggregate classification (germline): Likely pathogenic (1 of 4 stars; one submission).

Conditions:
Dilated cardiomyopathy 1G (CMD1G). Identifiers: Orphanet 154, MedGen C1858763, MONDO:0011400, OMIM 604145.
Autosomal recessive limb-girdle muscular dystrophy type 2J (LGMDR10). Also called: Limb-girdle muscular dystrophy, type 2J; MUSCULAR DYSTROPHY, LIMB-GIRDLE, AUTOSOMAL RECESSIVE 10. Identifiers: Orphanet 140922, MedGen C1837342, MONDO:0012127, OMIM 608807.

Submission:

Labcorp Genetics (formerly Invitae), Labcorp
Classification: Likely pathogenic for Dilated cardiomyopathy 1G; Autosomal recessive limb-girdle muscular dystrophy type 2J. Last evaluated: 2024-10-18. Review status: criteria provided, single submitter. Criteria: Invitae Variant Classification Sherloc (09022015). Collection method: clinical testing. Allele origin: germline.
Comment: This sequence change creates a premature translational stop signal (p.Tyr981Serfs*8) in the TTN gene. While this is not anticipated to result in nonsense mediated decay, it is expected to create a truncated TTN protein. This variant is not present in population databases (gnomAD no frequency). This variant has not been observed in the literature in individuals with autosomal recessive TTN-related conditions. This variant has been reported in individual(s) with autosomal dominant peripartum cardiomyopathy (internal data); however, the role of the variant in this condition is currently unclear. ClinVar contains an entry for this variant (Variation ID: 1362735). This variant is located in the Z band of TTN (PMID: 25589632). Truncating variants in this region have been reported in individuals affected with autosomal recessive centronuclear myopathy (PMID: 33449170, internal data). Truncating variants in this region have also been identified in individuals affected with autosomal dominant dilated cardiomyopathy and/or cardio-related conditions (PMID: 27869827, 32964742, internal data). In summary, the currently available evidence indicates that the variant is pathogenic, but additional data are needed to prove that conclusively. Therefore, this variant has been classified as Likely Pathogenic.

Literature cited by the submitters: PubMed 25589632; PubMed 33449170; PubMed 27869827; PubMed 32964742.